The following is an entry in ClinVar:

NC_000006.12:g.145501856A>G

Gene: EPM2A (EPM2A glucan phosphatase, laforin; minus strand). Cytogenetic location: 6q24.3.
Variant type: single nucleotide variant.
Genome position: GRCh38 VCF-style: chr6-145501856-A-G. GRCh37 (hg19) VCF-style: chr6-145822992-A-G.
Identifiers: ClinVar variation 3255258 (VCV003255258.2), dbSNP rs380883.

ClinVar aggregate classification (germline): Benign (1 of 4 stars; one submission).

Allele frequency attached by ClinVar (database versions not stated): TOPMed 0.43841; gnomAD 0.45038; 1000 Genomes Project 30x 0.46205; 1000 Genomes Project 0.46625; gnomAD exomes 0.47972; ExAC 0.51001.
gnomAD v4.1: 221,272 of 470,816 alleles (47%); highest among the groups gnomAD compares: South Asian, 58%; 52,840 homozygotes.

Submission:

Unidad de Genómica Garrahan, Hospital de Pediatría Garrahan
Classification: Benign. Last evaluated: 2024-07-15. Review status: criteria provided, single submitter. Criteria: ACMG Guidelines, 2015. Collection method: clinical testing. Allele origin: germline. Affected: no. Observed: 58 variant alleles.
Comment: This variant is classified as Benign based on local population frequency. This variant was detected in 62% of patients studied in a panel designed for Epileptic and Developmental Encephalopathy and Progressive Myoclonus Epilepsy. Number of patients: 58. Only high quality variants are reported.